The following is an entry in ClinVar:

NM_014339.7(IL17RA):c.705del (p.Ser236fs)

Gene: IL17RA (interleukin 17 receptor A; plus strand). Cytogenetic location: 22q11.1.
Variant type: Deletion.
Coding change: c.705del on transcript NM_014339.7 (MANE Select); coding-DNA position 705, one base deleted (C; older notation c.705delC).
Protein change: p.Ser236fs; shifts the reading frame from serine 236.
Molecular consequence: frameshift variant.
Genome position (GRCh38, 1-based): chr22:17,102,245, C deleted; the last of 2 consecutive C bases (chr22:17,102,244-17,102,245); deleting either gives the same sequence. VCF-style (leftmost placement, unchanged base first): chr22-17102243-AC-A. GRCh37 (hg19) VCF-style: chr22-17583133-AC-A.
Other names: c.705del, p.Ser236fs (NM_001289905.2); short protein forms S236fs.
Identifiers: ClinVar variation 2998290 (VCV002998290.3), dbSNP rs2517164580, ClinGen allele CA2655111629.

ClinVar aggregate classification (germline): Pathogenic (1 of 4 stars; one submission).

Conditions:
Immunodeficiency 51 (IMD51). Also called: CANDIDIASIS, FAMILIAL, 5. Identifiers: Orphanet 1334, MedGen C4310803, MONDO:0013500, OMIM 613953.

Submission:

Labcorp Genetics (formerly Invitae), Labcorp
Classification: Pathogenic for Immunodeficiency 51. Last evaluated: 2024-01-20. Review status: criteria provided, single submitter. Criteria: Invitae Variant Classification Sherloc (09022015). Collection method: clinical testing. Allele origin: germline.
Comment: This sequence change creates a premature translational stop signal (p.Ser236Valfs*108) in the IL17RA gene. It is expected to result in an absent or disrupted protein product. Loss-of-function variants in IL17RA are known to be pathogenic (PMID: 27930337). This variant is not present in population databases (gnomAD no frequency). This variant has not been reported in the literature in individuals affected with IL17RA-related conditions. For these reasons, this variant has been classified as Pathogenic.

Literature cited by the submitters: PubMed 27930337.